The following is an entry in ClinVar:

ClinVar aggregate classification (germline): Likely pathogenic (1 of 4 stars; one submission).

Conditions:
Glycogen storage disease type III (GSD3). Also called: Cori disease; FORBES DISEASE. Identifiers: Orphanet 366, MedGen C0017922, MONDO:0009291, OMIM 232400.

Submission:

Myriad Genetics, Inc.
Classification: Likely pathogenic for Glycogen storage disease type III. Last evaluated: 2019-12-23. Review status: criteria provided, single submitter. Criteria: Myriad Women's Health Autosomal Recessive and X-Linked Classification Criteria (2019). Collection method: clinical testing. Allele origin: unknown.
Comment: NM_000642.2(AGL):c.1110C>A(C370*) is expected to be pathogenic in the context of glycogen storage disease type III. This variant is predicted to lead to an abnormal or absent protein product due to the creation of a premature termination codon in AGL, a gene where loss-of-function variants are known to be pathogenic. Please note: this variant was assessed in the context of healthy population screening.

NM_000642.3(AGL):c.1110C>A (p.Cys370Ter)

Gene: AGL (amylo-alpha-1,6-glucosidase and 4-alpha-glucanotransferase; plus strand). Cytogenetic location: 1p21.2.
Variant type: single nucleotide variant.
Coding change: c.1110C>A on transcript NM_000642.3 (MANE Select); coding-DNA position 1110, C replaced by A.
Protein change: p.Cys370Ter; replaces cysteine 370 with a stop codon.
Molecular consequence: nonsense.
Genome position (GRCh38, 1-based): chr1:99,875,181, C>A. VCF-style: chr1-99875181-C-A. GRCh37 (hg19) VCF-style: chr1-100340737-C-A.
Other names: c.1110C>A, p.Cys370Ter (NM_000028.3, NM_000643.3, NM_000644.3 and 2 more transcripts); c.1062C>A, p.Cys354Ter (NM_000646.3); c.906C>A, p.Cys302Ter (NM_001425328.1, NM_001425329.1); c.732C>A, p.Cys244Ter (NM_001425332.1); short protein forms C354*, C370*, C244*, C302*.
Identifiers: ClinVar variation 984155 (VCV000984155.3), dbSNP rs1651407980, ClinGen allele CA341344675.
Genomic context (GRCh38, chr1:99,875,181, plus strand): 5'-AATATTATATCTGCATTTCTCCATCTGCTCTAGCAAGGGGCCAGCAGCAATTGAAGAATG[C>A]TGTAATTGGTTTCATAAAAGAATGGAGGAATTAAATTCAGAGAAGCATCGACTCATTAAC-3'